The following is an entry in ClinVar:

ClinVar aggregate classification (germline): Uncertain significance. Review status: criteria provided, multiple submitters, no conflicts (2 of 4 stars). 2 submissions from 2 submitters: Uncertain significance (2). Last evaluated 2024-07-10.

Conditions:
Hereditary cancer-predisposing syndrome. Also called: Tumor predisposition; Neoplastic Syndromes, Hereditary; Hereditary Cancer Syndrome; Hereditary neoplastic syndrome. Identifiers: Orphanet 140162, MedGen C0027672, MeSH D009386, MONDO:0015356.
Fanconi anemia (FA). Also called: Fanconi's anemia. Identifiers: Orphanet 84, MedGen C0015625, MeSH D005199, MONDO:0019391.

Submissions (2):

Ambry Genetics
Classification: Uncertain significance for Hereditary cancer-predisposing syndrome. Last evaluated: 2024-07-10. Review status: criteria provided, single submitter. Criteria: Ambry Variant Classification Scheme 2023. Collection method: clinical testing. Allele origin: germline.
Comment: The p.A141V variant (also known as c.422C>T), located in coding exon 4 of the FANCC gene, results from a C to T substitution at nucleotide position 422. The alanine at codon 141 is replaced by valine, an amino acid with similar properties. This amino acid position is not well conserved in available vertebrate species. In addition, this alteration is predicted to be tolerated by in silico analysis. Based on the available evidence, the clinical significance of this variant remains unclear.

Labcorp Genetics (formerly Invitae), Labcorp
Classification: Uncertain significance for Fanconi anemia. Last evaluated: 2022-12-02. Review status: criteria provided, single submitter. Criteria: Invitae Variant Classification Sherloc (09022015). Collection method: clinical testing. Allele origin: germline.
Comment: ClinVar contains an entry for this variant (Variation ID: 1382551). This variant has not been reported in the literature in individuals affected with FANCC-related conditions. This variant is not present in population databases (gnomAD no frequency). This sequence change replaces alanine, which is neutral and non-polar, with valine, which is neutral and non-polar, at codon 141 of the FANCC protein (p.Ala141Val). In summary, the available evidence is currently insufficient to determine the role of this variant in disease. Therefore, it has been classified as a Variant of Uncertain Significance. Algorithms developed to predict the effect of sequence changes on RNA splicing suggest that this variant may disrupt the consensus splice site. Advanced modeling of protein sequence and biophysical properties (such as structural, functional, and spatial information, amino acid conservation, physicochemical variation, residue mobility, and thermodynamic stability) performed at Invitae indicates that this missense variant is not expected to disrupt FANCC protein function.

NM_000136.3(FANCC):c.422C>T (p.Ala141Val)

Gene: FANCC (FA complementation group C; minus strand). Cytogenetic location: 9q22.32.
Variant type: single nucleotide variant.
Coding change: c.422C>T on transcript NM_000136.3 (MANE Select); coding-DNA position 422, C replaced by T.
Protein change: p.Ala141Val; replaces alanine 141 with valine.
Molecular consequence: missense variant.
Genome position (GRCh38, 1-based): chr9:95,172,071, G>A on the plus strand (C>T on the coding strand, the complement: FANCC is on the minus strand). VCF-style: chr9-95172071-G-A. GRCh37 (hg19) VCF-style: chr9-97934353-G-A.
Other names: c.422C>T, p.Ala141Val (NM_001243743.2, NM_001243744.2); short protein forms A141V.
Identifiers: ClinVar variation 1382551 (VCV001382551.11), dbSNP rs2135587894, ClinGen allele CA374338761.